The following is an entry in ClinVar:

NM_152564.5(VPS13B):c.11967_11969dup (p.Asn3989_Lys3990insAsn)

Gene: VPS13B (vacuolar protein sorting 13 homolog B; plus strand). Cytogenetic location: 8q22.2.
Variant type: Duplication.
Coding change: c.11967_11969dup on transcript NM_152564.5 (MANE Select); coding-DNA positions 11967 to 11969, 3 bases duplicated (TAA; older notation c.11967_11969dupTAA).
Protein change: p.Asn3989_Lys3990insAsn.
Molecular consequence: inframe insertion.
Genome position (GRCh38, 1-based): chr8:99,875,639-99,875,641, TAA duplicated; duplicating any 3 consecutive bases within chr8:99,875,637-99,875,641 gives the same sequence; the c. name uses the placement nearest the transcript's 3' end. VCF-style (leftmost placement, unchanged base first): chr8-99875636-A-AAAT. GRCh37 (hg19) VCF-style: chr8-100887864-A-AAAT.
Other names: c.12042_12044dup, p.Asn4014_Lys4015insAsn (NM_017890.5).
Identifiers: ClinVar variation 2147136 (VCV002147136.1), dbSNP rs1817665417, ClinGen allele CA913128165.

ClinVar aggregate classification (germline): Uncertain significance (1 of 4 stars; one submission).

Conditions:
Cohen syndrome (COH1). Also called: PEPPER SYNDROME; Cutis verticis gyrata, retinitis pigmentosa, and sensorineural deafness. Identifiers: Orphanet 193, MedGen C0265223, MONDO:0008999, OMIM 216550.

Submission:

Labcorp Genetics (formerly Invitae), Labcorp
Classification: Uncertain significance for Cohen syndrome. Last evaluated: 2022-08-08. Review status: criteria provided, single submitter. Criteria: Invitae Variant Classification Sherloc (09022015). Collection method: clinical testing. Allele origin: germline.
Comment: This variant, c.12042_12044dup, results in the insertion of 1 amino acid(s) of the VPS13B protein (p.Asn4014dup), but otherwise preserves the integrity of the reading frame. This variant is not present in population databases (gnomAD no frequency). This variant has not been reported in the literature in individuals affected with VPS13B-related conditions. Experimental studies and prediction algorithms are not available or were not evaluated, and the functional significance of this variant is currently unknown. In summary, the available evidence is currently insufficient to determine the role of this variant in disease. Therefore, it has been classified as a Variant of Uncertain Significance.